The following is an entry in ClinVar:

NM_022124.6(CDH23):c.3230C>G (p.Pro1077Arg)

Genes: C10orf105 (chromosome 10 open reading frame 105; minus strand), CDH23 (cadherin related 23; plus strand). Cytogenetic location: 10q22.1.
Variant type: single nucleotide variant.
Coding change: c.3230C>G on transcript NM_022124.6 (MANE Select); coding-DNA position 3230, C replaced by G.
Protein change: p.Pro1077Arg; replaces proline 1077 with arginine.
Molecular consequence: missense variant. On other transcripts: 3 prime UTR variant (2).
Genome position (GRCh38, 1-based): chr10:71,712,674, C>G. VCF-style: chr10-71712674-C-G. GRCh37 (hg19) VCF-style: chr10-73472431-C-G.
Other names: c.*3262G>C (NM_001164375.3, NM_001168390.2); c.3230C>G, p.Pro1077Arg (NM_001171930.2); short protein forms P1077R.
Identifiers: ClinVar variation 2104316 (VCV002104316.4), dbSNP rs202101019, ClinGen allele CA377143988.
Genomic context (GRCh38, chr10:71,712,674, plus strand): 5'-TGCCCCTCTCTCAGGCAGCTGCTAACACCTGTCTTCCTTCAACTCCCACAGACAACGGCC[C>G]TGTAGGGAAGCGACACACGGGCACAGCCACCGTGTTCGTCACTGTCCTGGATGTGAATGA-3'
Protein context (NP_071407.4, residues 1067-1087): MLILEAIDNG[Pro1077Arg]VGKRHTGTAT

ClinVar aggregate classification (germline): Uncertain significance (1 of 4 stars; one submission).

Submission:

Labcorp Genetics (formerly Invitae), Labcorp
Classification: Uncertain significance. Last evaluated: 2022-02-28. Review status: criteria provided, single submitter. Criteria: Invitae Variant Classification Sherloc (09022015). Collection method: clinical testing. Allele origin: germline.
Comment: In summary, the available evidence is currently insufficient to determine the role of this variant in disease. Therefore, it has been classified as a Variant of Uncertain Significance. Algorithms developed to predict the effect of missense changes on protein structure and function are either unavailable or do not agree on the potential impact of this missense change (SIFT: "Deleterious"; PolyPhen-2: "Not Available"; Align-GVGD: "Class C65"). This variant has not been reported in the literature in individuals affected with CDH23-related conditions. This variant is not present in population databases (gnomAD no frequency). This sequence change replaces proline, which is neutral and non-polar, with arginine, which is basic and polar, at codon 1077 of the CDH23 protein (p.Pro1077Arg).